The following is an entry in ClinVar:

NM_178857.6(RP1L1):c.565C>G (p.Leu189Val)

Gene: RP1L1 (RP1 like 1). Cytogenetic location: 8p23.1.
Variant type: single nucleotide variant.
Coding change: c.565C>G on transcript NM_178857.6 (MANE Select); coding-DNA position 565, C replaced by G.
Protein change: p.Leu189Val; replaces leucine 189 with valine.
Molecular consequence: missense variant.
Genome position (GRCh38, 1-based): chr8:10,622,637, G>C on the plus strand (C>G on the coding strand, the complement: RP1L1 is on the minus strand). VCF-style: chr8-10622637-G-C. GRCh37 (hg19) VCF-style: chr8-10480147-G-C.
Other names: c.565C>G (NM_178857.5); short protein forms L189V.
Identifiers: ClinVar variation 1465674 (VCV001465674.9), dbSNP rs1303507157, ClinGen allele CA370299789.

ClinVar aggregate classification (germline): Uncertain significance. Review status: criteria provided, multiple submitters, no conflicts (2 of 4 stars). 2 submissions from 2 submitters: Uncertain significance (2). Last evaluated 2023-12-27.

Conditions:
Inborn genetic diseases. Identifiers: MedGen C0950123, MeSH D030342.

Allele frequency attached by ClinVar (database versions not stated): TOPMed below 0.00001.
gnomAD v4.1: 2 of 1,614,206 alleles (0.00012%); highest among the groups gnomAD compares: East Asian, 0.0022%; no homozygotes.

Submissions (2):

Ambry Genetics
Classification: Uncertain significance for Inborn genetic diseases. Last evaluated: 2023-12-27. Review status: criteria provided, single submitter. Criteria: Ambry Variant Classification Scheme 2023. Collection method: clinical testing. Allele origin: germline.

Labcorp Genetics (formerly Invitae), Labcorp
Classification: Uncertain significance. Last evaluated: 2021-04-13. Review status: criteria provided, single submitter. Criteria: Invitae Variant Classification Sherloc (09022015). Collection method: clinical testing. Allele origin: germline.
Comment: In summary, the available evidence is currently insufficient to determine the role of this variant in disease. Therefore, it has been classified as a Variant of Uncertain Significance. Algorithms developed to predict the effect of sequence changes on RNA splicing suggest that this variant may create or strengthen a splice site, but this prediction has not been confirmed by published transcriptional studies. Advanced modeling of protein sequence and biophysical properties (such as structural, functional, and spatial information, amino acid conservation, physicochemical variation, residue mobility, and thermodynamic stability) performed at Invitae indicates that this missense variant is not expected to disrupt RP1L1 protein function. This variant has not been reported in the literature in individuals with RP1L1-related conditions. This variant is not present in population databases (ExAC no frequency). This sequence change replaces leucine with valine at codon 189 of the RP1L1 protein (p.Leu189Val). The leucine residue is highly conserved and there is a small physicochemical difference between leucine and valine.